The following is an entry in ClinVar:

NM_000218.3(KCNQ1):c.781_782delinsTT (p.Glu261Leu)

Gene: KCNQ1 (potassium voltage-gated channel subfamily Q member 1; plus strand). Cytogenetic location: 11p15.5.
Variant type: Indel.
Coding change: c.781_782delinsTT on transcript NM_000218.3 (MANE Select); coding-DNA positions 781 to 782, GA replaced by TT.
Protein change: p.Glu261Leu; replaces glutamic acid 261 with leucine.
Molecular consequence: missense variant.
Genome position (GRCh38, 1-based): chr11:2,572,846-2,572,847, GA replaced by TT. VCF-style: chr11-2572846-GA-TT. GRCh37 (hg19) VCF-style: chr11-2594076-GA-TT.
Other names: c.781_782delGAinsTT, p.Glu261Leu (NM_001406836.1); c.511_512delGAinsTT, p.Glu171Leu (NM_001406837.1); c.400_401delGAinsTT, p.Glu134Leu (NM_181798.2); short protein forms E261L, E134L, E171L.
Identifiers: ClinVar variation 405253 (VCV000405253.10), dbSNP rs1060500621, ClinGen allele CA16613282.

ClinVar aggregate classification (germline): Pathogenic (1 of 4 stars; one submission).

Conditions:
Long QT syndrome (LQTS). Identifiers: MedGen C0023976, MeSH D008133, MONDO:0002442. Disease mechanism: loss of function. Inheritance: Various modes of inheritance.

Submission:

Labcorp Genetics (formerly Invitae), Labcorp
Classification: Pathogenic for Long QT syndrome. Last evaluated: 2025-04-18. Review status: criteria provided, single submitter. Criteria: Invitae Variant Classification Sherloc (09022015). Collection method: clinical testing. Allele origin: germline.
Comment: This sequence change replaces glutamic acid, which is acidic and polar, with leucine, which is neutral and non-polar, at codon 261 of the KCNQ1 protein (p.Glu261Leu). Information on the frequency of this variant in the gnomAD database is not available, as this variant may be reported differently in the database. This missense change has been observed in individuals with long QT syndrome (PMID: 26669661, 27041096; internal data). ClinVar contains an entry for this variant (Variation ID: 405253). An algorithm developed to predict the effect of missense changes on protein structure and function (PolyPhen-2) suggests that this variant is likely to be disruptive. This variant disrupts the p.Glu261 amino acid residue in KCNQ1. Other variant(s) that disrupt this residue have been determined to be pathogenic (PMID: 10704188, 11530100, 15840476, 18752142, 23631430, 26675252; internal data). This suggests that this residue is clinically significant, and that variants that disrupt this residue are likely to be disease-causing. For these reasons, this variant has been classified as Pathogenic.

Literature cited by the submitters: PubMed 26669661; PubMed 27041096; PubMed 10704188; PubMed 11530100; PubMed 15840476; PubMed 18752142; PubMed 23631430; PubMed 26675252.